The following is an entry in ClinVar:

ClinVar aggregate classification (germline): Uncertain significance (1 of 4 stars; one submission).

Submission:

Labcorp Genetics (formerly Invitae), Labcorp
Classification: Uncertain significance. Last evaluated: 2023-04-05. Review status: criteria provided, single submitter. Criteria: Invitae Variant Classification Sherloc (09022015). Collection method: clinical testing. Allele origin: germline.
Comment: This sequence change replaces proline, which is neutral and non-polar, with serine, which is neutral and polar, at codon 412 of the CLTC protein (p.Pro412Ser). This variant is not present in population databases (gnomAD no frequency). This variant has not been reported in the literature in individuals affected with CLTC-related conditions. Experimental studies and prediction algorithms are not available or were not evaluated, and the functional significance of this variant is currently unknown. In summary, the available evidence is currently insufficient to determine the role of this variant in disease. Therefore, it has been classified as a Variant of Uncertain Significance.

NM_004859.4(CLTC):c.1222C>T (p.Pro408Ser)

Gene: CLTC (clathrin heavy chain; plus strand). Cytogenetic location: 17q23.1.
Variant type: single nucleotide variant.
Coding change: c.1222C>T on transcript NM_004859.4 (MANE Select); coding-DNA position 1222, C replaced by T.
Protein change: p.Pro408Ser; replaces proline 408 with serine.
Molecular consequence: missense variant.
Genome position (GRCh38, 1-based): chr17:59,661,497, C>T. VCF-style: chr17-59661497-C-T. GRCh37 (hg19) VCF-style: chr17-57738858-C-T.
Other names: c.1234C>T, p.Pro412Ser (NM_001288653.2); short protein forms P412S, P408S.
Identifiers: ClinVar variation 3002830 (VCV003002830.3), dbSNP rs2509378647, ClinGen allele CA400424390.